The following is an entry in ClinVar:

ClinVar aggregate classification (germline): Uncertain significance (1 of 4 stars; one submission).

Conditions:
3M syndrome 1. Also called: 3-M Syndrome, CUL7-Related. Identifiers: Orphanet 2616, MedGen C2678312, MONDO:0010117, OMIM 273750.

Submission:

Juno Genomics, Hangzhou Juno Genomics, Inc
Classification: Uncertain significance for 3M syndrome 1. Review status: criteria provided, single submitter. Criteria: ACMG Guidelines, 2015. Collection method: clinical testing. Allele origin: germline.
Comment: Absent from controls (or at extremely low frequency if recessive) in Genome Aggregation Database.;Multiple lines of computational evidence support a deleterious effect on the gene or gene product.

NM_014780.5(CUL7):c.608T>C (p.Leu203Pro)

Gene: CUL7 (cullin 7; minus strand). Cytogenetic location: 6p21.1.
Variant type: single nucleotide variant.
Coding change: c.608T>C on transcript NM_014780.5 (MANE Select); coding-DNA position 608, T replaced by C.
Protein change: p.Leu203Pro; replaces leucine 203 with proline.
Molecular consequence: missense variant.
Genome position (GRCh38, 1-based): chr6:43,051,736, A>G on the plus strand (T>C on the coding strand, the complement: CUL7 is on the minus strand). VCF-style: chr6-43051736-A-G. GRCh37 (hg19) VCF-style: chr6-43019474-A-G.
Other names: c.704T>C, p.Leu235Pro (NM_001168370.2, NM_001374872.1); c.608T>C, p.Leu203Pro (NM_001374873.1, NM_001374874.1); short protein forms L203P, L235P.
Identifiers: ClinVar variation 5007062 (VCV005007062.2).